The following is an entry in ClinVar:

ClinVar aggregate classification (germline): Uncertain significance. Review status: criteria provided, multiple submitters, no conflicts (2 of 4 stars). 3 submissions from 3 submitters: Uncertain significance (2). 1 of the submissions does not count toward it. Last evaluated 2022-02-12.

Conditions:
Combined oxidative phosphorylation deficiency 32 (COXPD32). Identifiers: MedGen C4540029, MONDO:0054654, OMIM 617664.

Allele frequency attached by ClinVar (database versions not stated): TOPMed below 0.00001; 1000 Genomes Project 0.00020; 1000 Genomes Project 30x 0.00047; gnomAD exomes 0.00002; gnomAD 0.00002; ExAC 0.00007.

Submissions (3):

Labcorp Genetics (formerly Invitae), Labcorp
Classification: Uncertain significance. Last evaluated: 2022-02-12. Review status: criteria provided, single submitter. Criteria: Invitae Variant Classification Sherloc (09022015). Collection method: clinical testing. Allele origin: germline.
Comment: Algorithms developed to predict the effect of missense changes on protein structure and function (SIFT, PolyPhen-2, Align-GVGD) all suggest that this variant is likely to be tolerated. In summary, the available evidence is currently insufficient to determine the role of this variant in disease. Therefore, it has been classified as a Variant of Uncertain Significance. This variant has not been reported in the literature in individuals affected with MRPS34-related conditions. This variant is present in population databases (rs549241918, gnomAD 0.05%). This sequence change replaces methionine, which is neutral and non-polar, with threonine, which is neutral and polar, at codon 142 of the MRPS34 protein (p.Met142Thr).

Revvity Omics, Revvity
Classification: Uncertain significance for Combined oxidative phosphorylation deficiency 32. Last evaluated: 2021-08-20. Review status: criteria provided, single submitter. Criteria: ACMG Guidelines, 2015. Collection method: clinical testing. Allele origin: germline.

Hong-Tao Li Lab, Institute of Brain Science and Brain-inspired Research, Shandong First Medical University & Shandong Academy of Medical Sciences China
Classification: Uncertain significance for Combined oxidative phosphorylation deficiency 32. Review status: no assertion criteria provided. Collection method: research. Allele origin: germline. Inheritance: Autosomal recessive inheritance. Affected: yes. Observed: 1 variant allele, 1 homozygote. Not counted in ClinVar's aggregate classification.
Comment: Observed in affected individuals from a Pakistani neurodevelopmental-disorder research cohort of 263 individuals. Classification assigned using the ACMG/AMP framework. Population-frequency evidence: gnomAD AF 6.011e-05.

NM_023936.2(MRPS34):c.404T>C (p.Met135Thr)

Gene: MRPS34 (mitochondrial ribosomal protein S34; minus strand). Cytogenetic location: 16p13.3.
Variant type: single nucleotide variant.
Coding change: c.404T>C on transcript NM_023936.2 (MANE Select); coding-DNA position 404, T replaced by C.
Protein change: p.Met135Thr; replaces methionine 135 with threonine.
Molecular consequence: missense variant.
Genome position (GRCh38, 1-based): chr16:1,772,474, A>G on the plus strand (T>C on the coding strand, the complement: MRPS34 is on the minus strand). VCF-style: chr16-1772474-A-G. GRCh37 (hg19) VCF-style: chr16-1822475-A-G.
Other names: c.425T>C, p.Met142Thr (NM_001300900.2); short protein forms M135T, M142T.
Identifiers: ClinVar variation 1986884 (VCV001986884.8), dbSNP rs549241918, ClinGen allele CA7818350.